The following is an entry in ClinVar:

ClinVar aggregate classification (germline): Benign. Review status: criteria provided, multiple submitters, no conflicts (2 of 4 stars). 13 submissions from 13 submitters: Benign (10). 3 of the submissions do not count toward it. Last evaluated 2026-05-18.

Conditions:
Bardet-Biedl syndrome (BBS). Identifiers: Orphanet 110, MedGen C0752166, MONDO:0015229.
Bardet-Biedl syndrome 1 (BBS1). Identifiers: MedGen C2936862, MONDO:0008854, OMIM 209900. Disease mechanism: loss of function.
Bardet-Biedl syndrome 12 (BBS12). Identifiers: Orphanet 110, MedGen C1859570, MONDO:0014440, OMIM 615989.

Allele frequency attached by ClinVar (database versions not stated): 1000 Genomes Project 30x 0.09026; 1000 Genomes Project 0.09185; TOPMed 0.14531; gnomAD 0.15630 and 0.15807; gnomAD exomes 0.16450 and 0.21013; ExAC 0.16933; ESP Exome Variant Server 0.17138.

Submissions (13):

Women's Health and Genetics/Laboratory Corporation of America, LabCorp
Classification: Benign. Last evaluated: 2026-05-18. Review status: criteria provided, single submitter. Criteria: LabCorp Variant Classification Summary - May 2015. Collection method: clinical testing. Allele origin: germline.

Labcorp Genetics (formerly Invitae), Labcorp
Classification: Benign for Bardet-Biedl syndrome. Last evaluated: 2026-02-04. Review status: criteria provided, single submitter. Criteria: Invitae Variant Classification Sherloc (09022015). Collection method: clinical testing. Allele origin: germline.

Blueprint Genetics
Classification: Benign. Last evaluated: 2024-11-26. Review status: criteria provided, single submitter. Criteria: ACMG Guidelines, 2015. Collection method: clinical testing. Allele origin: germline.

Mayo Clinic Laboratories, Mayo Clinic
Classification: Benign. Last evaluated: 2022-03-09. Review status: criteria provided, single submitter. Criteria: ACMG Guidelines, 2015. Collection method: clinical testing. Allele origin: germline. Observed: 22 variant alleles.

Pars Genome Lab
Classification: Benign for Bardet-Biedl syndrome 12. Last evaluated: 2021-06-15. Review status: criteria provided, single submitter. Criteria: ACMG Guidelines, 2015. Collection method: clinical testing. Allele origin: germline. Affected: no.

Illumina Laboratory Services, Illumina
Classification: Benign for Bardet-Biedl syndrome 12. Last evaluated: 2018-01-12. Review status: criteria provided, single submitter. Criteria: ICSL Variant Classification Criteria 13 December 2019. Collection method: clinical testing. Allele origin: germline.
Comment: This variant was observed in the ICSL laboratory as part of a predisposition screen in an ostensibly healthy population. It had not been previously curated by ICSL or reported in the Human Gene Mutation Database (HGMD: prior to June 1st, 2018), and was therefore a candidate for classification through an automated scoring system. Utilizing variant allele frequency, disease prevalence and penetrance estimates, and inheritance mode, an automated score was calculated to assess if this variant is too frequent to cause the disease. Based on the score and internal cut-off values, a variant classified as benign is not then subjected to further curation. The score for this variant resulted in a classification of benign for this disease.

Clinical Genetics DNA and cytogenetics Diagnostics Lab, Erasmus MC, Erasmus Medical Center
Classification: Benign for Bardet-Biedl syndrome 1. Last evaluated: 2015-09-21. Review status: criteria provided, single submitter. Criteria: ACGS Guidelines, 2013. Collection method: clinical testing. Allele origin: germline. Affected: yes. Study: VKGL Data-share Consensus.

Eurofins Ntd Llc (ga)
Classification: Benign. Last evaluated: 2014-01-21. Review status: criteria provided, single submitter. Criteria: EGL Classification Definitions 2015. Collection method: clinical testing. Allele origin: germline. Observed: 2 variant alleles, 1 heterozygote, 1 homozygote.

Breakthrough Genomics
Classification: Benign. Review status: criteria provided, single submitter. Criteria: ACMG Guidelines, 2015. Collection method: not provided. Allele origin: germline. Inheritance: Autosomal recessive inheritance. Affected: yes.

PreventionGenetics, part of Exact Sciences
Classification: Benign. Review status: criteria provided, single submitter. Criteria: ACMG Guidelines, 2015. Collection method: clinical testing. Allele origin: germline.

Natera, Inc.
Classification: Benign for Bardet-Biedl syndrome type 12. Last evaluated: 2020-09-16. Review status: no assertion criteria provided. Collection method: clinical testing. Allele origin: germline. Not counted in ClinVar's aggregate classification.

Diagnostic Laboratory, Department of Genetics, University Medical Center Groningen
Classification: Benign for Bardet-Biedl syndrome 1. Review status: no assertion criteria provided. Collection method: clinical testing. Allele origin: germline. Affected: yes. Study: VKGL Data-share Consensus. Not counted in ClinVar's aggregate classification.

Joint Genome Diagnostic Labs from Nijmegen and Maastricht, Radboudumc and MUMC+
Classification: Benign. Review status: no assertion criteria provided. Collection method: clinical testing. Allele origin: germline. Affected: yes. Study: VKGL Data-share Consensus. Not counted in ClinVar's aggregate classification.

NM_152618.3(BBS12):c.1872A>G (p.Gln624=)

Gene: BBS12 (Bardet-Biedl syndrome 12; plus strand). Cytogenetic location: 4q27.
Variant type: single nucleotide variant.
Coding change: c.1872A>G on transcript NM_152618.3 (MANE Select); coding-DNA position 1872, A replaced by G.
Protein change: p.Gln624=; no amino-acid change (glutamine 624 retained).
Molecular consequence: synonymous variant.
Genome position (GRCh38, 1-based): chr4:122,743,764, A>G. VCF-style: chr4-122743764-A-G. GRCh37 (hg19) VCF-style: chr4-123664919-A-G.
Other names: p.Gln624=; c.1872A>G, p.Gln624= (NM_001178007.2).
Identifiers: ClinVar variation 166730 (VCV000166730.29), dbSNP rs13102440, ClinGen allele CA179784.